The following is an entry in ClinVar:

ClinVar aggregate classification (germline): Uncertain significance (1 of 4 stars; one submission).

Conditions:
Idiopathic generalized epilepsy. Also called: Generalised epilepsy; EIG. Identifiers: MedGen C0270850, MONDO:0005579, OMIM 600669.
Hyperaldosteronism, familial, type IV (HALD4). Also called: FH IV; ALDOSTERONISM, PRIMARY, AND HYPERTENSION. Identifiers: Orphanet 642671, MedGen C4310756, MONDO:0014875, OMIM 617027.

Allele frequency attached by ClinVar (database versions not stated): TOPMed 0.00001.

Submission:

Labcorp Genetics (formerly Invitae), Labcorp
Classification: Uncertain significance for Idiopathic generalized epilepsy; Hyperaldosteronism, familial, type IV. Last evaluated: 2023-08-14. Review status: criteria provided, single submitter. Criteria: Invitae Variant Classification Sherloc (09022015). Collection method: clinical testing. Allele origin: germline.
Comment: In summary, the available evidence is currently insufficient to determine the role of this variant in disease. Therefore, it has been classified as a Variant of Uncertain Significance. Advanced modeling of protein sequence and biophysical properties (such as structural, functional, and spatial information, amino acid conservation, physicochemical variation, residue mobility, and thermodynamic stability) has been performed at Invitae for this missense variant, however the output from this modeling did not meet the statistical confidence thresholds required to predict the impact of this variant on CACNA1H protein function. This variant has not been reported in the literature in individuals affected with CACNA1H-related conditions. This variant is not present in population databases (gnomAD no frequency). This sequence change replaces histidine, which is basic and polar, with proline, which is neutral and non-polar, at codon 1293 of the CACNA1H protein (p.His1293Pro).

NM_021098.3(CACNA1H):c.3878A>C (p.His1293Pro)

Gene: CACNA1H (calcium voltage-gated channel subunit alpha1 H; plus strand). Cytogenetic location: 16p13.3.
Variant type: single nucleotide variant.
Coding change: c.3878A>C on transcript NM_021098.3 (MANE Select); coding-DNA position 3878, A replaced by C.
Protein change: p.His1293Pro; replaces histidine 1293 with proline.
Molecular consequence: missense variant.
Genome position (GRCh38, 1-based): chr16:1,210,402, A>C. VCF-style: chr16-1210402-A-C. GRCh37 (hg19) VCF-style: chr16-1260402-A-C.
Other names: c.3878A>C, p.His1293Pro (NM_001005407.2); short protein forms H1293P.
Identifiers: ClinVar variation 2950944 (VCV002950944.3), dbSNP rs1160500077, ClinGen allele CA394176343.